The following is an entry in ClinVar:

ClinVar aggregate classification (germline): Uncertain significance (1 of 4 stars; one submission).

Conditions:
Immunodeficiency, common variable, 10. Also called: IMMUNODEFICIENCY, COMMON VARIABLE, WITH CENTRAL ADRENAL INSUFFICIENCY; DEFICIT IN ANTERIOR PITUITARY FUNCTION AND VARIABLE IMMUNODEFICIENCY. Identifiers: MedGen C3809991, MONDO:0014260, OMIM 615577.

Allele frequency attached by ClinVar (database versions not stated): gnomAD exomes below 0.00001 and 0.00001; gnomAD 0.00006; TOPMed 0.00006.
gnomAD v4.1: 18 of 1,565,772 alleles (0.0011%); highest among the groups gnomAD compares: African/African-American, 0.015%; no homozygotes.

Submission:

Labcorp Genetics (formerly Invitae), Labcorp
Classification: Uncertain significance for Immunodeficiency, common variable, 10. Last evaluated: 2024-12-03. Review status: criteria provided, single submitter. Criteria: Invitae Variant Classification Sherloc (09022015). Collection method: clinical testing. Allele origin: germline.
Comment: This sequence change falls in intron 22 of the NFKB2 gene. It does not directly change the encoded amino acid sequence of the NFKB2 protein. It affects a nucleotide within the consensus splice site. This variant is present in population databases (rs779697693, gnomAD 0.008%). This variant has not been reported in the literature in individuals affected with NFKB2-related conditions. ClinVar contains an entry for this variant (Variation ID: 1482054). Variants that disrupt the consensus splice site are a relatively common cause of aberrant splicing (PMID: 17576681, 9536098). Algorithms developed to predict the effect of sequence changes on RNA splicing suggest that this variant is not likely to affect RNA splicing. In summary, the available evidence is currently insufficient to determine the role of this variant in disease. Therefore, it has been classified as a Variant of Uncertain Significance.

Literature cited by the submitters: PubMed 17576681; PubMed 9536098.

NM_001322934.2(NFKB2):c.2578+6G>A

Gene: NFKB2 (nuclear factor kappa B subunit 2; plus strand). Cytogenetic location: 10q24.32.
Variant type: single nucleotide variant.
Coding change: c.2578+6G>A on transcript NM_001322934.2 (MANE Select); 6 bases into the intron after coding-DNA position 2578, G replaced by A.
Molecular consequence: intron variant.
Genome position (GRCh38, 1-based): chr10:102,402,165, G>A. VCF-style: chr10-102402165-G-A. GRCh37 (hg19) VCF-style: chr10-104161922-G-A.
Other names: c.2578+6G>A (NM_001288724.1, NM_001077494.3, NM_001261403.3 and 1 more transcripts); c.2452+6G>A (NM_001322935.1).
Identifiers: ClinVar variation 1482054 (VCV001482054.6), dbSNP rs779697693, ClinGen allele CA5665115.